The following is an entry in ClinVar:

NM_002335.4(LRP5):c.1160T>C (p.Val387Ala)

Gene: LRP5 (LDL receptor related protein 5; plus strand). Cytogenetic location: 11q13.2.
Variant type: single nucleotide variant.
Coding change: c.1160T>C on transcript NM_002335.4 (MANE Select); coding-DNA position 1160, T replaced by C.
Protein change: p.Val387Ala; replaces valine 387 with alanine.
Molecular consequence: missense variant. On other transcripts: 5 prime UTR variant (1).
Genome position (GRCh38, 1-based): chr11:68,386,460, T>C. VCF-style: chr11-68386460-T-C. GRCh37 (hg19) VCF-style: chr11-68153928-T-C.
Other names: c.-606T>C (NM_001291902.2); short protein forms V387A.
Identifiers: ClinVar variation 4850859 (VCV004850859.1).

ClinVar aggregate classification (germline): Uncertain significance (1 of 4 stars; one submission).

Conditions:
Osteoporosis. Identifiers: MedGen C0029456, MONDO:0005298, OMIM 166710, HP:0000939.

Submission:

Clinical Genetics Laboratory, Skane University Hospital Lund
Classification: Uncertain significance for Osteoporosis. Last evaluated: 2026-05-15. Review status: criteria provided, single submitter. Criteria: ACMG Guidelines, 2015. Collection method: clinical testing. Allele origin: germline. Affected: yes.
Comment: ACMG criteria applied: PM2, PP3.